The following is an entry in ClinVar:

NM_004006.3(DMD):c.6455T>C (p.Ile2152Thr)

Gene: DMD (dystrophin; minus strand). Cytogenetic location: Xp21.1.
Variant type: single nucleotide variant.
Coding change: c.6455T>C on transcript NM_004006.3 (MANE Select); coding-DNA position 6455, T replaced by C.
Protein change: p.Ile2152Thr; replaces isoleucine 2152 with threonine.
Molecular consequence: missense variant. On other transcripts: 5 prime UTR variant (5).
Genome position (GRCh38, 1-based): chrX:31,968,498, A>G on the plus strand (T>C on the coding strand, the complement: DMD is on the minus strand). VCF-style: chrX-31968498-A-G. GRCh37 (hg19) VCF-style: chrX-31986615-A-G.
Other names: c.6431T>C, p.Ile2144Thr (NM_000109.4); c.6443T>C, p.Ile2148Thr (NM_004009.3); c.6086T>C, p.Ile2029Thr (NM_004010.3); c.2432T>C, p.Ile811Thr (NM_004011.4); c.2423T>C, p.Ile808Thr (NM_004012.4); c.-926T>C (NM_004013.3, NM_004020.4, NM_004021.3 and 2 more transcripts); short protein forms I2152T, I2029T, I2144T, I808T, I2148T, I811T.
Identifiers: ClinVar variation 368238 (VCV000368238.12), dbSNP rs767681834, ClinGen allele CA10378454.

ClinVar aggregate classification (germline): Conflicting classifications of pathogenicity. Review status: criteria provided, conflicting classifications (1 of 4 stars). 5 submissions from 5 submitters: Uncertain significance (4); Likely benign (1). Last evaluated 2025-12-26.

Conditions:
DMD-related disorder. Also called: DMD-related condition.
Dilated cardiomyopathy 3B (CMD3B). Also called: CMD3B: DMD-Related Dilated Cardiomyopathy; CARDIOMYOPATHY, DILATED, X-LINKED; DMD-Associated Dilated Cardiomyopathy. Identifiers: Orphanet 154, MedGen C3668940, MONDO:0010542, OMIM 302045.
Duchenne muscular dystrophy (DMD). Also called: Duchenne Muscular Dystrophy (DMD); MUSCULAR DYSTROPHY, PSEUDOHYPERTROPHIC PROGRESSIVE, DUCHENNE TYPE. Identifiers: Orphanet 98896, MedGen C0013264, MONDO:0010679, OMIM 310200.
Becker muscular dystrophy (BMD). Also called: Becker Muscular Dystrophy (BMD); MUSCULAR DYSTROPHY, PSEUDOHYPERTROPHIC PROGRESSIVE, BECKER TYPE. Identifiers: Orphanet 98895, MedGen C0917713, MONDO:0010311, OMIM 300376.

Allele frequency attached by ClinVar (database versions not stated): gnomAD exomes below 0.00001 and 0.00001; TOPMed below 0.00001; ExAC 0.00001; gnomAD 0.00001.
gnomAD v4.1: 3 of 1,208,813 alleles (0.00025%); highest among the groups gnomAD compares: South Asian, 0.0018%; no homozygotes.

Submissions (5):

Labcorp Genetics (formerly Invitae), Labcorp
Classification: Likely benign for Duchenne muscular dystrophy. Last evaluated: 2025-12-26. Review status: criteria provided, single submitter. Criteria: Invitae Variant Classification Sherloc (09022015). Collection method: clinical testing. Allele origin: germline.

PreventionGenetics, part of Exact Sciences
Classification: Uncertain significance for DMD-related condition. Last evaluated: 2025-03-04. Review status: criteria provided, single submitter. Criteria: ACMG Guidelines, 2015. Collection method: clinical testing. Allele origin: germline.
Comment: The DMD c.6455T>C variant is predicted to result in the amino acid substitution p.Ile2152Thr. To our knowledge, this variant has not been reported in the literature. This variant is reported in 0.0012% of alleles in individuals of European (non-Finnish) descent in gnomAD. At this time, the clinical significance of this variant is uncertain due to the absence of conclusive functional and genetic evidence.

Revvity Omics, Revvity
Classification: Uncertain significance. Last evaluated: 2023-09-13. Review status: criteria provided, single submitter. Criteria: ACMG Guidelines, 2015. Collection method: clinical testing. Allele origin: germline.

Fulgent Genetics
Classification: Uncertain significance for Becker muscular dystrophy; Dilated cardiomyopathy 3B; Duchenne muscular dystrophy. Last evaluated: 2021-08-26. Review status: criteria provided, single submitter. Criteria: ACMG Guidelines, 2015. Collection method: clinical testing. Allele origin: unknown.

Illumina Laboratory Services, Illumina
Classification: Uncertain significance for Dilated cardiomyopathy 3B. Last evaluated: 2018-01-13. Review status: criteria provided, single submitter. Criteria: ICSL Variant Classification Criteria 13 December 2019. Collection method: clinical testing. Allele origin: germline.